The following is an entry in ClinVar:

ClinVar aggregate classification (germline): Pathogenic (1 of 4 stars; one submission).

Conditions:
Primary ciliary dyskinesia. Also called: Ciliary dyskinesia. Identifiers: Orphanet 244, MedGen C0008780, MONDO:0016575, HP:0012265.

Submission:

Labcorp Genetics (formerly Invitae), Labcorp
Classification: Pathogenic for Primary ciliary dyskinesia. Last evaluated: 2024-06-12. Review status: criteria provided, single submitter. Criteria: Invitae Variant Classification Sherloc (09022015). Collection method: clinical testing. Allele origin: germline.
Comment: This sequence change creates a premature translational stop signal (p.Glu872*) in the RPGR (ORF15) gene. While this is not anticipated to result in nonsense mediated decay, it is expected to disrupt the last 281 amino acid(s) of the RPGR (ORF15) protein. The frequency data for this variant in the population databases is considered unreliable, as metrics indicate insufficient coverage at this position in the gnomAD database. This premature translational stop signal has been observed in individual(s) with retinitis pigmentosa (PMID: 17898302, 33355362). ClinVar contains an entry for this variant (Variation ID: 2138535). This variant disrupts a region of the RPGR (ORF15) protein in which other variant(s) (p.Leu1130Lysfs*13) have been determined to be pathogenic (PMID: 22264887; Invitae). This suggests that this is a clinically significant region of the protein, and that variants that disrupt it are likely to be disease-causing. For these reasons, this variant has been classified as Pathogenic.

Literature cited by the submitters: PubMed 17898302; PubMed 33355362; PubMed 22264887.

NM_001034853.2(RPGR):c.2614G>T (p.Glu872Ter)

Gene: RPGR (retinitis pigmentosa GTPase regulator; minus strand). Cytogenetic location: Xp11.4.
Variant type: single nucleotide variant.
Coding change: c.2614G>T on transcript NM_001034853.2 (MANE Select); coding-DNA position 2614, G replaced by T.
Protein change: p.Glu872Ter; replaces glutamic acid 872 with a stop codon.
Molecular consequence: nonsense. On other transcripts: intron variant (8).
Genome position (GRCh38, 1-based): chrX:38,286,385, C>A on the plus strand (G>T on the coding strand, the complement: RPGR is on the minus strand). VCF-style: chrX-38286385-C-A. GRCh37 (hg19) VCF-style: chrX-38145638-C-A.
Other names: c.1569+4574G>T (NM_001367249.1, NM_001367250.1); c.1902+709G>T (NM_001367245.1); c.1386+4574G>T (NM_001367251.1); c.1719+709G>T (NM_001367246.1); c.1572+4574G>T (NM_001367247.1); c.1905+709G>T (NM_000328.3); c.1602+4574G>T (NM_001367248.1); short protein forms E872*.
Identifiers: ClinVar variation 2138535 (VCV002138535.4), dbSNP rs2519789004, ClinGen allele CA412730220.